The following is an entry in ClinVar:

ClinVar aggregate classification (germline): Likely pathogenic. Review status: criteria provided, multiple submitters, no conflicts (2 of 4 stars). 2 submissions from 2 submitters: Likely pathogenic (2). Last evaluated 2026-05-19.

Conditions:
Bloom syndrome (BLM). Also called: Bloom-Torre-Machacek syndrome. Identifiers: Orphanet 125, MedGen C0005859, MONDO:0008876, OMIM 210900.

Submissions (2):

Myriad Genetics, Inc.
Classification: Likely pathogenic for Bloom syndrome. Last evaluated: 2026-05-19. Review status: criteria provided, single submitter. Criteria: Myriad Autosomal Dominant, Autosomal Recessive and X-Linked Classification Criteria (2023). Collection method: clinical testing. Allele origin: unknown.
Comment: NM_000057.3(BLM):c.1088-2A>G is a variant in a canonical splice site classified as likely pathogenic in the context of Bloom syndrome. c.1088-2A>G has been observed in a case with relevant disease (PMID: 17407155). Relevant functional assessments of this variant are not available in the literature. c.1088-2A>G has not been observed in referenced population frequency databases. In summary, NM_000057.3(BLM):c.1088-2A>G is a variant in a canonical splice site in a gene where loss of function is a known mechanism of disease, is predicted to disrupt protein function, and has been observed more frequently in cases with the relevant disease than in healthy populations. Please note: this variant was assessed in the context of healthy population screening.

Natera, Inc.
Classification: Likely pathogenic for Bloom syndrome. Last evaluated: 2024-10-09. Review status: criteria provided, single submitter. Criteria: Natera Variant Classification Schema (03/2026). Collection method: clinical testing. Allele origin: germline.
Comment: The c.1088-2A>G variant in BLM is a canonical splice acceptor site variant predicted to affect pre-mRNA splicing, which may result in an abnormal transcript and altered protein product. This variant is expected to result in nonsense mediated decay, truncation, or a dysfunctional protein product. This variant is rare in the general population with a frequency below the threshold expected for the associated phenotype(s). Given the available evidence, this variant is classified as Likely Pathogenic.

Literature cited by the submitters: PubMed 17407155 (cited by Myriad Genetics, Inc.).

NM_000057.4(BLM):c.1088-2A>G

Gene: BLM (BLM RecQ like helicase; plus strand). Cytogenetic location: 15q26.1.
Variant type: single nucleotide variant.
Coding change: c.1088-2A>G on transcript NM_000057.4 (MANE Select); the canonical splice acceptor site of the intron before coding-DNA position 1088, A replaced by G.
Molecular consequence: splice acceptor variant. On other transcripts: 5 prime UTR variant (1).
Genome position (GRCh38, 1-based): chr15:90,760,145, A>G. VCF-style: chr15-90760145-A-G. GRCh37 (hg19) VCF-style: chr15-91303375-A-G.
Other names: c.1088-2A>G (NM_000057.3, NM_001287246.2, NM_001287247.2); c.-40A>G (NM_001287248.2).
Identifiers: ClinVar variation 4815658 (VCV004815658.2), dbSNP rs367543015.